The following is an entry in ClinVar:

ClinVar aggregate classification (germline): Likely benign (1 of 4 stars; one submission).

Submissions (2):

CeGaT Center for Human Genetics Tuebingen
Classification: Likely benign. Last evaluated: 2025-07-01. Review status: criteria provided, single submitter. Criteria: CeGaT Center For Human Genetics Tuebingen Variant Classification Criteria Version 2. Collection method: clinical testing. Allele origin: germline. Affected: yes. Observed: 1 variant allele.
Comment: SERHL2: PP3, BS2

Dr. Peter K. Rogan Lab, Western University
No classification provided (evidence only). Condition: Papillary renal cell carcinoma type 1. Review status: no classification provided. Collection method: in vitro. Allele origin: not applicable. Functional consequence: retained intron. Not counted in ClinVar's aggregate classification.

NM_014509.5(SERHL2):c.731+3_731+6del

Gene: SERHL2 (serine hydrolase like 2; plus strand). Cytogenetic location: 22q13.2.
Variant type: Microsatellite.
Coding change: c.731+3_731+6del on transcript NM_014509.5 (MANE Select); bases 3 to 6 of the intron after coding-DNA position 731, 4 bases deleted (AAGT; older notation c.731+3_731+6delAAGT).
Molecular consequence: splice donor variant. On other transcripts: non-coding transcript variant (2).
Genome position (GRCh38, 1-based): chr22:42,571,206-42,571,209, AAGT deleted; deleting any 4 consecutive bases within chr22:42,571,202-42,571,209 gives the same sequence; the c. name uses the placement nearest the transcript's 3' end. VCF-style (leftmost placement, unchanged base first): chr22-42571201-CAAGT-C. GRCh37 (hg19) VCF-style: chr22-42967207-CAAGT-C.
Other names: NC_000022.10:g.42967212_42967215del; c.539+3_539+6del (NM_001284334.2).
Identifiers: ClinVar variation 4083515 (VCV004083515.8).
Genomic context (GRCh38, chr22:42,571,201, plus strand): 5'-CATCAGCAGGGAGCTGTGTGCGCATTCCATCAGGAAGCTGCAGGCCCATGTCCTGTTGAT[CAAGT>C]AAGTCTGGACCCATCCCCTTCAGCCACCCGCCAAGGAGACATGGGCGCCAGGAATCTCCG-3'